The following is an entry in ClinVar:

ClinVar aggregate classification (germline): Uncertain significance (1 of 4 stars; one submission).

Conditions:
Hereditary cancer-predisposing syndrome. Also called: Neoplastic Syndromes, Hereditary; Tumor predisposition; Hereditary neoplastic syndrome; Hereditary Cancer Syndrome. Identifiers: Orphanet 140162, MedGen C0027672, MeSH D009386, MONDO:0015356.
Cardiovascular phenotype. Identifiers: MedGen CN230736.

gnomAD v4.1: 5 of 1,608,068 alleles (0.00031%); highest among the groups gnomAD compares: Admixed American, 0.005%; no homozygotes.

Submission:

Ambry Genetics
Classification: Uncertain significance for Cardiovascular phenotype; Hereditary cancer-predisposing syndrome. Last evaluated: 2021-05-10. Review status: criteria provided, single submitter. Criteria: Ambry Variant Classification Scheme 2023. Collection method: clinical testing. Allele origin: germline.
Comment: The c.1722-29T>C intronic alteration consists of a T to C substitution 29 nucleotides before coding exon 16 in the NF1 gene. Based on insufficient or conflicting evidence, the clinical significance of this alteration remains unclear.

NM_001042492.3(NF1):c.1722-29T>C

Gene: NF1 (neurofibromin 1; plus strand). Cytogenetic location: 17q11.2.
Variant type: single nucleotide variant.
Coding change: c.1722-29T>C on transcript NM_001042492.3 (MANE Select); 29 bases into the intron before coding-DNA position 1722, T replaced by C.
Molecular consequence: intron variant.
Genome position (GRCh38, 1-based): chr17:31,223,415, T>C. VCF-style: chr17-31223415-T-C. GRCh37 (hg19) VCF-style: chr17-29550433-T-C.
Other names: c.1722-29T>C (NM_000267.4).
Identifiers: ClinVar variation 3237674 (VCV003237674.1), dbSNP rs771481863.